The following is an entry in ClinVar:

ClinVar aggregate classification (germline): Uncertain significance (1 of 4 stars; one submission).

Conditions:
Achondrogenesis, type IA (ACG1A). Identifiers: Orphanet 932, Orphanet 93299, MedGen C0265273, MONDO:0008701, OMIM 200600.

Submission:

Labcorp Genetics (formerly Invitae), Labcorp
Classification: Uncertain significance for Achondrogenesis, type IA. Last evaluated: 2020-09-24. Review status: criteria provided, single submitter. Criteria: Invitae Variant Classification Sherloc (09022015). Collection method: clinical testing. Allele origin: germline.
Comment: In summary, the available evidence is currently insufficient to determine the role of this variant in disease. Therefore, it has been classified as a Variant of Uncertain Significance. Algorithms developed to predict the effect of missense changes on protein structure and function are either unavailable or do not agree on the potential impact of this missense change (SIFT: "Not Available"; PolyPhen-2: "Probably Damaging"; Align-GVGD: "Not Available"). This variant has not been reported in the literature in individuals with TRIP11-related conditions. This variant is not present in population databases (ExAC no frequency). This sequence change replaces glutamic acid with lysine at codon 1464 of the TRIP11 protein (p.Glu1464Lys). The glutamic acid residue is highly conserved and there is a small physicochemical difference between glutamic acid and lysine.

NM_004239.4(TRIP11):c.4390G>A (p.Glu1464Lys)

Gene: TRIP11 (thyroid hormone receptor interactor 11; minus strand). Cytogenetic location: 14q32.12.
Variant type: single nucleotide variant.
Coding change: c.4390G>A on transcript NM_004239.4 (MANE Select); coding-DNA position 4390, G replaced by A.
Protein change: p.Glu1464Lys; replaces glutamic acid 1464 with lysine.
Molecular consequence: missense variant.
Genome position (GRCh38, 1-based): chr14:92,003,586, C>T on the plus strand (G>A on the coding strand, the complement: TRIP11 is on the minus strand). VCF-style: chr14-92003586-C-T. GRCh37 (hg19) VCF-style: chr14-92469930-C-T.
Other names: c.4387G>A, p.Glu1463Lys (NM_001321851.1); short protein forms E1463K, E1464K.
Identifiers: ClinVar variation 1017654 (VCV001017654.7), dbSNP rs2056856064, ClinGen allele CA390649628.